The following is an entry in ClinVar:

NM_206933.4(USH2A):c.13596dup (p.Ser4533fs)

Gene: USH2A (usherin; minus strand). Cytogenetic location: 1q41.
Variant type: Duplication.
Coding change: c.13596dup on transcript NM_206933.4 (MANE Select); coding-DNA position 13596, one base duplicated (C; older notation c.13596dupC).
Protein change: p.Ser4533fs; shifts the reading frame from serine 4533.
Molecular consequence: frameshift variant.
Genome position (GRCh38, 1-based): chr1:215,674,315, G duplicated on the plus strand (C on the coding strand, the reverse complement: USH2A is on the minus strand); the first of 3 consecutive G bases (chr1:215,674,315-215,674,317); duplicating any one gives the same sequence. VCF-style (leftmost placement, unchanged base first): chr1-215674314-A-AG. GRCh37 (hg19) VCF-style: chr1-215847656-A-AG.
Other names: short protein forms S4533fs.
Identifiers: ClinVar variation 2098115 (VCV002098115.4), dbSNP rs1485393201, ClinGen allele CA2580062222.

ClinVar aggregate classification (germline): Pathogenic (1 of 4 stars; one submission).

Submission:

Labcorp Genetics (formerly Invitae), Labcorp
Classification: Pathogenic. Last evaluated: 2022-06-02. Review status: criteria provided, single submitter. Criteria: Invitae Variant Classification Sherloc (09022015). Collection method: clinical testing. Allele origin: germline.
Comment: This variant is also known as p.S4533Lfs*28. For these reasons, this variant has been classified as Pathogenic. This premature translational stop signal has been observed in individual(s) with Usher syndrome (PMID: 33781268). This variant is not present in population databases (gnomAD no frequency). This sequence change creates a premature translational stop signal (p.Ser4533Leufs*29) in the USH2A gene. It is expected to result in an absent or disrupted protein product. Loss-of-function variants in USH2A are known to be pathogenic (PMID: 10729113, 10909849, 20507924, 25649381).

Literature cited by the submitters: PubMed 33781268; PubMed 10729113; PubMed 10909849; PubMed 20507924; PubMed 25649381.